The following is an entry in ClinVar:

ClinVar aggregate classification (germline): Uncertain significance (1 of 4 stars; one submission).

gnomAD v4.1: 30 of 1,609,516 alleles (0.0019%); highest among the groups gnomAD compares: African/African-American, 0.021%; no homozygotes.

Submissions (2):

GeneDx
Classification: Uncertain significance. Last evaluated: 2024-03-06. Review status: criteria provided, single submitter. Criteria: GeneDx Variant Classification Process June 2021. Collection method: clinical testing. Allele origin: germline. Affected: yes.
Comment: In silico analysis supports that this missense variant has a deleterious effect on protein structure/function; Has not been previously published as pathogenic or benign to our knowledge

Dr. Peter K. Rogan Lab, Western University
No classification provided (evidence only). Condition: Familial cancer of breast. Review status: no classification provided. Collection method: in vitro. Allele origin: not applicable. Functional consequence: retained intron. Not counted in ClinVar's aggregate classification.

NM_016219.5(MAN1B1):c.1894C>T (p.Arg632Trp)

Gene: MAN1B1 (mannosidase alpha class 1B member 1; plus strand). Cytogenetic location: 9q34.3.
Variant type: single nucleotide variant.
Coding change: c.1894C>T on transcript NM_016219.5 (MANE Select); coding-DNA position 1894, C replaced by T.
Protein change: p.Arg632Trp; replaces arginine 632 with tryptophan.
Molecular consequence: missense variant. On other transcripts: non-coding transcript variant (2).
Genome position (GRCh38, 1-based): chr9:137,107,660, C>T. VCF-style: chr9-137107660-C-T. GRCh37 (hg19) VCF-style: chr9-140002112-C-T.
Other names: NC_000009.11:g.140002112C>T; short protein forms R632W.
Identifiers: ClinVar variation 3361025 (VCV003361025.2).